The following is an entry in ClinVar:

ClinVar aggregate classification (germline): Conflicting classifications of pathogenicity. Review status: criteria provided, conflicting classifications (1 of 4 stars). 3 submissions from 3 submitters: Likely pathogenic (2); Uncertain significance (1). Last evaluated 2025-12-22.

Conditions:
Rare genetic deafness. Identifiers: Orphanet 96210, MedGen C5680250.

Allele frequency attached by ClinVar (database versions not stated): gnomAD below 0.00001 and 0.00001; gnomAD exomes 0.00001 and 0.00004; ExAC 0.00003.
gnomAD v4.1: 23 of 1,610,780 alleles (0.0014%); highest among the groups gnomAD compares: South Asian, 0.02%; no homozygotes.

Submissions (3):

Labcorp Genetics (formerly Invitae), Labcorp
Classification: Likely pathogenic. Last evaluated: 2025-12-22. Review status: criteria provided, single submitter. Criteria: Invitae Variant Classification Sherloc (09022015). Collection method: clinical testing. Allele origin: germline.
Comment: This sequence change affects a donor splice site in intron 14 of the MYO3A gene. It is expected to disrupt RNA splicing. Variants that disrupt the donor or acceptor splice site typically lead to a loss of protein function (PMID: 16199547), and loss-of-function variants in MYO3A are known to be pathogenic (PMID: 12032315, 23990876). This variant is present in population databases (rs756836048, gnomAD 0.03%). This variant has not been reported in the literature in individuals affected with MYO3A-related conditions. ClinVar contains an entry for this variant (Variation ID: 228975). Algorithms developed to predict the effect of sequence changes on RNA splicing suggest that this variant may disrupt the consensus splice site. In summary, the currently available evidence indicates that the variant is pathogenic, but additional data are needed to prove that conclusively. Therefore, this variant has been classified as Likely Pathogenic.

GeneDx
Classification: Likely pathogenic. Last evaluated: 2024-06-17. Review status: criteria provided, single submitter. Criteria: GeneDx Variant Classification Process June 2021. Collection method: clinical testing. Allele origin: germline. Affected: yes.
Comment: Canonical splice site variant expected to result in aberrant splicing, although in the absence of functional evidence the actual effect of this sequence change is unknown; Has not been previously published as pathogenic or benign to our knowledge

Laboratory for Molecular Medicine, Mass General Brigham Personalized Medicine
Classification: Uncertain significance for Rare genetic deafness. Last evaluated: 2022-08-26. Review status: criteria provided, single submitter. Criteria: ACMG Guidelines, 2015. Collection method: clinical testing. Allele origin: germline. Inheritance: Autosomal unknown.
Comment: This MYO3A variant was identified in 9/30748 South Asian chromosomes by the Genome Aggregation Database (gnomAD; dbSNP (rs756836048); however, its frequency is not high enough to rule out a pathogenic role. The variant occurs in the invariant region (+/- 1/2) of the splice consensus sequence and is predicted to cause altered splicing, which may lead to an abnormal or absent protein. However, the skipping of the exon most likely impacted by this splice variant (exon 14) would result in an in-frame deletion rather than a loss of function of the protein, that may be potentially tolerated by the protein. Thus, additional information is needed to determine its impact. In summary, while there is some suspicion for a pathogenic role, the clinical significance of this variant is uncertain. ACMG/AMP Criteria applied: PVS1_Moderate, PP3.

Literature cited by the submitters: PubMed 16199547 (cited by Labcorp Genetics (formerly Invitae), Labcorp); PubMed 12032315 (cited by Labcorp Genetics (formerly Invitae), Labcorp); PubMed 23990876 (cited by Labcorp Genetics (formerly Invitae), Labcorp).

NM_017433.5(MYO3A):c.1359+1G>T

Gene: MYO3A (myosin IIIA; plus strand). Cytogenetic location: 10p12.1.
Variant type: single nucleotide variant.
Coding change: c.1359+1G>T on transcript NM_017433.5 (MANE Select); the canonical splice donor site of the intron after coding-DNA position 1359, G replaced by T.
Molecular consequence: splice donor variant.
Genome position (GRCh38, 1-based): chr10:26,070,402, G>T. VCF-style: chr10-26070402-G-T. GRCh37 (hg19) VCF-style: chr10-26359331-G-T.
Identifiers: ClinVar variation 228975 (VCV000228975.7), dbSNP rs756836048, ClinGen allele CA5444643.
Genomic context (GRCh38, chr10:26,070,402, plus strand): 5'-GGTGCTGGAAAGACTGAAAATGCTCATCTTTTAGTTCAGCAGCTGACAGTGCTTGGAAAG[G>T]TATAATTTATTTTTTTCTCTGTCCCATCAGAAATATTTGTTGAATTTCATAACTTAATAT-3'